The following is an entry in ClinVar:

NM_177438.3(DICER1):c.322C>G (p.Gln108Glu)

Gene: DICER1 (dicer 1, ribonuclease III; minus strand). Cytogenetic location: 14q32.13.
Variant type: single nucleotide variant.
Coding change: c.322C>G on transcript NM_177438.3 (MANE Select); coding-DNA position 322, C replaced by G.
Protein change: p.Gln108Glu; replaces glutamine 108 with glutamic acid.
Molecular consequence: missense variant. On other transcripts: non-coding transcript variant (5), intron variant (6), 5 prime UTR variant (2).
Genome position (GRCh38, 1-based): chr14:95,131,625, G>C on the plus strand (C>G on the coding strand, the complement: DICER1 is on the minus strand). VCF-style: chr14-95131625-G-C. GRCh37 (hg19) VCF-style: chr14-95597962-G-C.
Other names: c.33+890C>G (NM_001395690.1, NM_001395687.1, NM_001395689.1 and 3 more transcripts); c.322C>G, p.Gln108Glu (NM_001195573.1, NM_001271282.3, NM_001291628.2 and 15 more transcripts); c.40C>G, p.Gln14Glu (NM_001395686.1); c.-137C>G (NM_001395691.1); c.-1247C>G (NM_001395697.1); short protein forms Q108E, Q14E.
Identifiers: ClinVar variation 3229364 (VCV003229364.1), dbSNP rs2543343522, ClinGen allele CA390889444.

ClinVar aggregate classification (germline): Uncertain significance (1 of 4 stars; one submission).

Conditions:
Hereditary cancer-predisposing syndrome. Also called: Neoplastic Syndromes, Hereditary; Tumor predisposition; Hereditary neoplastic syndrome; Hereditary Cancer Syndrome. Identifiers: Orphanet 140162, MedGen C0027672, MeSH D009386, MONDO:0015356.

Submission:

Ambry Genetics
Classification: Uncertain significance for Hereditary cancer-predisposing syndrome. Last evaluated: 2024-03-08. Review status: criteria provided, single submitter. Criteria: Ambry Variant Classification Scheme 2023. Collection method: clinical testing. Allele origin: germline.
Comment: The p.Q108E variant (also known as c.322C>G), located in coding exon 3 of the DICER1 gene, results from a C to G substitution at nucleotide position 322. The glutamine at codon 108 is replaced by glutamic acid, an amino acid with highly similar properties. This amino acid position is highly conserved in available vertebrate species. In addition, this alteration is predicted to be deleterious by in silico analysis. Based on the available evidence, the clinical significance of this alteration remains unclear.